The following is an entry in ClinVar:

ClinVar aggregate classification (germline): Likely benign. Review status: criteria provided, multiple submitters, no conflicts (2 of 4 stars). 3 submissions from 3 submitters: Likely benign (3). Last evaluated 2025-08-18.

Conditions:
Autosomal dominant limb-girdle muscular dystrophy type 1F (LGMDD2). Also called: Limb-girdle muscular dystrophy, type 1F; MUSCULAR DYSTROPHY, LIMB-GIRDLE, AUTOSOMAL DOMINANT 2. Identifiers: Orphanet 55595, MedGen C1842062, MONDO:0012034, OMIM 608423.

Allele frequency attached by ClinVar (database versions not stated): gnomAD 0.00002; TOPMed 0.00002; gnomAD exomes 0.00003 and 0.00009; ExAC 0.00006.
gnomAD v4.1: 124 of 1,613,984 alleles (0.0077%); highest among the groups gnomAD compares: Non-Finnish European, 0.01%; no homozygotes.

Submissions (3):

Labcorp Genetics (formerly Invitae), Labcorp
Classification: Likely benign for Autosomal dominant limb-girdle muscular dystrophy type 1F. Last evaluated: 2025-08-18. Review status: criteria provided, single submitter. Criteria: Invitae Variant Classification Sherloc (09022015). Collection method: clinical testing. Allele origin: germline.

Mayo Clinic Laboratories, Mayo Clinic
Classification: Likely benign. Last evaluated: 2025-02-27. Review status: criteria provided, single submitter. Criteria: ACMG Guidelines, 2015. Collection method: clinical testing. Allele origin: germline. Observed: 1 variant allele.
Comment: BS2, BP4, BP7

Blueprint Genetics
Classification: Likely benign. Last evaluated: 2024-04-18. Review status: criteria provided, single submitter. Criteria: ACMG Guidelines, 2015. Collection method: clinical testing. Allele origin: germline.

NM_012470.4(TNPO3):c.756T>C (p.Ala252=)

Gene: TNPO3 (transportin 3; minus strand). Cytogenetic location: 7q32.1.
Variant type: single nucleotide variant.
Coding change: c.756T>C on transcript NM_012470.4 (MANE Select); coding-DNA position 756, T replaced by C.
Protein change: p.Ala252=; no amino-acid change (alanine 252 retained).
Molecular consequence: synonymous variant. On other transcripts: non-coding transcript variant (18).
Genome position (GRCh38, 1-based): chr7:129,001,175, A>G on the plus strand (T>C on the coding strand, the complement: TNPO3 is on the minus strand). VCF-style: chr7-129001175-A-G. GRCh37 (hg19) VCF-style: chr7-128641229-A-G.
Other names: p.Ala252=; c.756T>C, p.Ala252= (NM_001191028.3, NM_001382216.1, NM_001382218.1 and 4 more transcripts); c.837T>C, p.Ala279= (NM_001382217.1); c.612T>C, p.Ala204= (NM_001382221.1); c.756T>C (NM_012470.3).
Identifiers: ClinVar variation 1099973 (VCV001099973.11), dbSNP rs764539003, ClinGen allele CA4478331.
Genomic context (GRCh38, chr7:129,001,175, plus strand): 5'-TCCCTGAAAAAGTTGCATGGCTAATGGCAAGTTAGTCTCCACATTCTCAATGGCATAGAG[A>G]GCTGAGCATACACAGTCCGAAGCAGCTTCATGTAGGTTAGACGAGGTCTTATCCTGTTGC-3'
Protein context (NP_036602.1, residues 242-262): HEAASDCVCS[Ala252=]LYAIENVETN